The following is an entry in ClinVar:

ClinVar aggregate classification (germline): Conflicting classifications of pathogenicity. Review status: criteria provided, conflicting classifications (1 of 4 stars). 7 submissions from 7 submitters: Uncertain significance (3); Likely benign (3). 1 of the submissions does not count toward it. Last evaluated 2026-01-26.

Conditions:
LAMA2-related disorder. Also called: LAMA2-related condition; LAMA2-related disorders.
LAMA2-related muscular dystrophy (LAMA2-RD). Also called: Laminin alpha 2-related dystrophy. Identifiers: MedGen C5679788, MONDO:0100228.

Allele frequency attached by ClinVar (database versions not stated): ESP Exome Variant Server 0.00008; gnomAD 0.00023 and 0.00027; TOPMed 0.00023; ExAC 0.00026; 1000 Genomes Project 30x 0.00078; 1000 Genomes Project 0.00100.
gnomAD v4.1: 202 of 1,608,142 alleles (0.013%); highest among the groups gnomAD compares: East Asian, 0.26%; 1 homozygote.

Submissions (7):

Labcorp Genetics (formerly Invitae), Labcorp
Classification: Likely benign for LAMA2-related muscular dystrophy. Last evaluated: 2026-01-26. Review status: criteria provided, single submitter. Criteria: Invitae Variant Classification Sherloc (09022015). Collection method: clinical testing. Allele origin: germline.

Blueprint Genetics
Classification: Likely benign. Last evaluated: 2024-10-21. Review status: criteria provided, single submitter. Criteria: ACMG Guidelines, 2015. Collection method: clinical testing. Allele origin: germline.

Revvity Omics, Revvity
Classification: Likely benign. Last evaluated: 2024-07-10. Review status: criteria provided, single submitter. Criteria: ACMG Guidelines, 2015. Collection method: clinical testing. Allele origin: germline.

Mayo Clinic Laboratories, Mayo Clinic
Classification: Uncertain significance. Last evaluated: 2022-03-30. Review status: criteria provided, single submitter. Criteria: ACMG Guidelines, 2015. Collection method: clinical testing. Allele origin: germline. Observed: 3 variant alleles.
Comment: BP4

GeneDx
Classification: Uncertain significance. Last evaluated: 2017-07-28. Review status: criteria provided, single submitter. Criteria: GeneDx Variant Classification (06012015). Collection method: clinical testing. Allele origin: germline. Affected: yes.
Comment: A variant of uncertain significance has been identified in the LAMA2 gene. The R2001K variant has not been published as a pathogenic variant, nor has it been reported as a benign variant to our knowledge. The R2001K variant is observed in 29/8596 (0.3%) alleles from individuals of East Asian background (Lek et al., 2016; 1000 Genomes Consortium et al., 2015; Exome Variant Server). This substitution occurs at a position that is conserved across species. However, the R2001K variant is a conservative amino acid substitution, which is not likely to impact secondary protein structure as these residues share similar properties. In silico analysis is inconsistent in its predictions as to whether or not the variant is damaging to the protein structure/function. Therefore, based on the currently available information, it is unclear whether this variant is a pathogenic variant or a rare benign variant.

Eurofins Ntd Llc (ga)
Classification: Uncertain significance. Last evaluated: 2014-11-10. Review status: criteria provided, single submitter. Criteria: EGL Classification Definitions 2015. Collection method: clinical testing. Allele origin: germline. Observed: 1 variant allele, 1 heterozygote.

PreventionGenetics, part of Exact Sciences
Classification: Likely benign for LAMA2-related condition. Last evaluated: 2022-04-18. Review status: no assertion criteria provided. Collection method: clinical testing. Allele origin: germline. Not counted in ClinVar's aggregate classification.
Comment: This variant is classified as likely benign based on ACMG/AMP sequence variant interpretation guidelines (Richards et al. 2015 PMID: 25741868, with internal and published modifications).

NM_000426.4(LAMA2):c.6002G>A (p.Arg2001Lys)

Gene: LAMA2 (laminin subunit alpha 2; plus strand). Cytogenetic location: 6q22.33.
Variant type: single nucleotide variant.
Coding change: c.6002G>A on transcript NM_000426.4 (MANE Select); coding-DNA position 6002, G replaced by A.
Protein change: p.Arg2001Lys; replaces arginine 2001 with lysine.
Molecular consequence: missense variant.
Genome position (GRCh38, 1-based): chr6:129,438,679, G>A. VCF-style: chr6-129438679-G-A. GRCh37 (hg19) VCF-style: chr6-129759824-G-A.
Other names: p.Arg2001Lys; c.6002G>A, p.Arg2001Lys (NM_001079823.2); short protein forms R2001K.
Identifiers: ClinVar variation 197453 (VCV000197453.26), dbSNP rs151009169, ClinGen allele CA245596.